The following is an entry in ClinVar:

ClinVar aggregate classification (germline): Uncertain significance (1 of 4 stars; one submission).

Conditions:
Developmental and epileptic encephalopathy 94 (DEE94). Also called: Epileptic encephalopathy, childhood-onset; CHD2-Related Neurodevelopmental Disorders. Identifiers: Orphanet 1942, Orphanet 2382, MedGen C3809278, MONDO:0014150, OMIM 615369.

Submission:

Labcorp Genetics (formerly Invitae), Labcorp
Classification: Uncertain significance for Developmental and epileptic encephalopathy 94. Last evaluated: 2025-07-27. Review status: criteria provided, single submitter. Criteria: Invitae Variant Classification Sherloc (09022015). Collection method: clinical testing. Allele origin: germline.
Comment: This sequence change replaces histidine, which is basic and polar, with proline, which is neutral and non-polar, at codon 852 of the CHD2 protein (p.His852Pro). This variant is not present in population databases (gnomAD no frequency). This variant has not been reported in the literature in individuals affected with CHD2-related conditions. Invitae Evidence Modeling of protein sequence and biophysical properties (such as structural, functional, and spatial information, amino acid conservation, physicochemical variation, residue mobility, and thermodynamic stability) has been performed for this missense variant. However, the output from this modeling did not meet the statistical confidence thresholds required to predict the impact of this variant on CHD2 protein function. In summary, the available evidence is currently insufficient to determine the role of this variant in disease. Therefore, it has been classified as a Variant of Uncertain Significance.

NM_001271.4(CHD2):c.2555A>C (p.His852Pro)

Gene: CHD2 (chromodomain helicase DNA binding protein 2; plus strand). Cytogenetic location: 15q26.1.
Variant type: single nucleotide variant.
Coding change: c.2555A>C on transcript NM_001271.4 (MANE Select); coding-DNA position 2555, A replaced by C.
Protein change: p.His852Pro; replaces histidine 852 with proline.
Molecular consequence: missense variant.
Genome position (GRCh38, 1-based): chr15:92,974,928, A>C. VCF-style: chr15-92974928-A-C. GRCh37 (hg19) VCF-style: chr15-93518158-A-C.
Other names: short protein forms H852P.
Identifiers: ClinVar variation 4802438 (VCV004802438.1).